The following is an entry in ClinVar:

NM_000388.4(CASR):c.947G>C (p.Gly316Ala)

Gene: CASR (calcium sensing receptor; plus strand). Cytogenetic location: 3q21.1.
Variant type: single nucleotide variant.
Coding change: c.947G>C on transcript NM_000388.4 (MANE Select); coding-DNA position 947, G replaced by C.
Protein change: p.Gly316Ala; replaces glycine 316 with alanine.
Molecular consequence: missense variant.
Genome position (GRCh38, 1-based): chr3:122,261,982, G>C. VCF-style: chr3-122261982-G-C. GRCh37 (hg19) VCF-style: chr3-121980829-G-C.
Other names: c.947G>C, p.Gly316Ala (NM_001178065.2); short protein forms G316A.
Identifiers: ClinVar variation 3485320 (VCV003485320.1).

ClinVar aggregate classification (germline): Uncertain significance (1 of 4 stars; one submission).

Conditions:
Nephrolithiasis/nephrocalcinosis. Identifiers: MedGen CN580796.

Submission:

Ambry Genetics
Classification: Uncertain significance for Nephrolithiasis/nephrocalcinosis. Last evaluated: 2024-09-17. Review status: criteria provided, single submitter. Criteria: Ambry Variant Classification Scheme 2023. Collection method: clinical testing. Allele origin: germline.
Comment: The p.G316A variant (also known as c.947G>C), located in coding exon 3 of the CASR gene, results from a G to C substitution at nucleotide position 947. The glycine at codon 316 is replaced by alanine, an amino acid with similar properties. This amino acid position is well conserved in available vertebrate species. In addition, this alteration is predicted to be deleterious by in silico analysis. In addition, the evidence for the gene-disease relationship is limited for pancreatitis and cancer predisposition; therefore, the clinical significance of this variant for CASR-related pancreatitis and cancer predisposition is unclear. Based on the available evidence, the clinical significance of this variant remains unclear.